The following is an entry in ClinVar:

NM_024753.5(TTC21B):c.1676T>G (p.Val559Gly)

Gene: TTC21B (tetratricopeptide repeat domain 21B; minus strand). Cytogenetic location: 2q24.3.
Variant type: single nucleotide variant.
Coding change: c.1676T>G on transcript NM_024753.5 (MANE Select); coding-DNA position 1676, T replaced by G.
Protein change: p.Val559Gly; replaces valine 559 with glycine.
Molecular consequence: missense variant.
Genome position (GRCh38, 1-based): chr2:165,917,480, A>C on the plus strand (T>G on the coding strand, the complement: TTC21B is on the minus strand). VCF-style: chr2-165917480-A-C. GRCh37 (hg19) VCF-style: chr2-166773990-A-C.
Other names: short protein forms V559G.
Identifiers: ClinVar variation 261768 (VCV000261768.32), dbSNP rs149325238, ClinGen allele CA1942041.
Genomic context (GRCh38, chr2:165,917,480, plus strand): 5'-ATTTCTCCCATTTTCTTTTGTGACTGAGCTTTTATCAAATGGTATAAAGGATAGTCTCTC[A>C]CCTGAAGAATAATATTTAATATTTCCTTGGAGTGCTTACAACATCAACACATAATTTACA-3'
Protein context (NP_079029.3, residues 549-569): LELCLSYDFK[Val559Gly]RDYPLYHLIK

ClinVar aggregate classification (germline): Conflicting classifications of pathogenicity. Review status: criteria provided, conflicting classifications (1 of 4 stars). 9 submissions from 8 submitters: Uncertain significance (2); Benign (2); Likely benign (5). Last evaluated 2026-05-01.

Conditions:
Jeune thoracic dystrophy. Also called: Short-rib thoracic dysplasia; Jeune syndrome; Infantile thoracic dystrophy; Thoracic pelvic phalangeal dystrophy; Jeune's syndrome; Chondroectodermal dysplasia-like syndrome. Identifiers: Orphanet 474, MedGen C0265275, MONDO:0018770.
Nephronophthisis. Also called: Juvenile Nephronophthisis. Identifiers: Orphanet 655, MedGen C0687120, MONDO:0019005, HP:0000090.
Asphyxiating thoracic dystrophy 4 (SRTD4). Also called: SHORT-RIB THORACIC DYSPLASIA 4 WITH OR WITHOUT POLYDACTYLY; SHORT-RIB THORACIC DYSPLASIA 4. Identifiers: Orphanet 474, MedGen C3151185, MONDO:0013441, OMIM 613819.
Nephronophthisis 12 (NPHP12). Identifiers: Orphanet 655, MedGen C3151186, MONDO:0013442, OMIM 613820.

Allele frequency attached by ClinVar (database versions not stated): gnomAD exomes 0.00017 and 0.00039; ExAC 0.00043; 1000 Genomes Project 0.00160; ESP Exome Variant Server 0.00161; gnomAD 0.00171 and 0.00190; 1000 Genomes Project 30x 0.00172; TOPMed 0.00192.
gnomAD v4.1: 516 of 1,602,986 alleles (0.032%); highest among the groups gnomAD compares: African/African-American, 0.61%; 2 homozygotes.

Submissions (9):

CeGaT Center for Human Genetics Tuebingen
Classification: Likely benign. Last evaluated: 2026-05-01. Review status: criteria provided, single submitter. Criteria: CeGaT Center For Human Genetics Tuebingen Variant Classification Criteria Version 2. Collection method: clinical testing. Allele origin: germline. Affected: yes. Observed: 2 variant alleles.
Comment: TTC21B: BS2

Labcorp Genetics (formerly Invitae), Labcorp
Classification: Likely benign for Jeune thoracic dystrophy; Nephronophthisis. Last evaluated: 2026-01-13. Review status: criteria provided, single submitter. Criteria: Invitae Variant Classification Sherloc (09022015). Collection method: clinical testing. Allele origin: germline.

Blueprint Genetics
Classification: Likely benign. Last evaluated: 2024-09-04. Review status: criteria provided, single submitter. Criteria: ACMG Guidelines, 2015. Collection method: clinical testing. Allele origin: germline.

Clinical Genomics Laboratory, Washington University in St. Louis
Classification: Uncertain significance for Nephronophthisis 12. Last evaluated: 2024-07-24. Review status: criteria provided, single submitter. Criteria: ACMG Guidelines, 2015. Collection method: clinical testing. Allele origin: germline.
Comment: A TTC21B c.1676T>G (p.Val559Gly) variant was identified. This variant has been reported in an individual affected with Glomerular disease (Bullich G et al., PMID: 26940125). This variant is observed on 141/282,034 alleles in the general population (gnomAD v2.1.1). This variant has been reported in the ClinVar database as a likely benign/benign variant by five submitters and a variant of uncertain significance by one submitter (ClinVar Variation ID: 261768). Computational predictors indicate that the variant is damaging, evidence that may correlate with impact to TTC21B function. Due to limited information, and based on ACMG/AMP guidelines for variant interpretation (Richards S et al., PMID: 25741868), the clinical significance of the TTC21B c.1676T>G (p.Val559Gly) variant is uncertain at this time.

GeneDx
Classification: Likely benign. Last evaluated: 2020-01-20. Review status: criteria provided, single submitter. Criteria: GeneDx Variant Classification Process June 2021. Collection method: clinical testing. Allele origin: germline. Affected: yes.
Comment: This variant is associated with the following publications: (PMID: 26940125)

ARUP Laboratories, Molecular Genetics and Genomics, ARUP Laboratories
Classification: Uncertain significance. Last evaluated: 2019-03-08. Review status: criteria provided, single submitter. Criteria: ARUP Molecular Germline Variant Investigation Process. Collection method: clinical testing. Allele origin: germline.

Illumina Laboratory Services, Illumina
Classification: Benign for Asphyxiating thoracic dystrophy 4. Last evaluated: 2017-04-27. Review status: criteria provided, single submitter. Criteria: ICSL Variant Classification Criteria 13 December 2019. Collection method: clinical testing. Allele origin: germline.
Comment: This variant was observed as part of a predisposition screen in an ostensibly healthy population. A literature search was performed for the gene, cDNA change, and amino acid change (where applicable). No publications were found based on this search. Allele frequency data from public databases was too high to be consistent with this variant causing disease. Therefore, this variant is classified as benign.

Illumina Laboratory Services, Illumina
Classification: Benign for Nephronophthisis 12. Last evaluated: 2017-04-27. Review status: criteria provided, single submitter. Criteria: ICSL Variant Classification Criteria 13 December 2019. Collection method: clinical testing. Allele origin: germline.
Comment: the same text as in the submission from Illumina Laboratory Services, Illumina above.

PreventionGenetics, part of Exact Sciences
Classification: Likely benign. Review status: criteria provided, single submitter. Criteria: ACMG Guidelines, 2015. Collection method: clinical testing. Allele origin: germline.